The following is an entry in ClinVar:

NM_000334.4(SCN4A):c.1413G>A (p.Met471Ile)

Gene: SCN4A (sodium voltage-gated channel alpha subunit 4; minus strand). Cytogenetic location: 17q23.3.
Variant type: single nucleotide variant.
Coding change: c.1413G>A on transcript NM_000334.4 (MANE Select); coding-DNA position 1413, G replaced by A.
Protein change: p.Met471Ile; replaces methionine 471 with isoleucine.
Molecular consequence: missense variant.
Genome position (GRCh38, 1-based): chr17:63,964,507, C>T on the plus strand (G>A on the coding strand, the complement: SCN4A is on the minus strand). VCF-style: chr17-63964507-C-T. GRCh37 (hg19) VCF-style: chr17-62041867-C-T.
Other names: p.Met471Ile; short protein forms M471I.
Identifiers: ClinVar variation 324542 (VCV000324542.23), dbSNP rs527384137, ClinGen allele CA8709850.

ClinVar aggregate classification (germline): Conflicting classifications of pathogenicity. Review status: criteria provided, conflicting classifications (1 of 4 stars). 10 submissions from 6 submitters: Uncertain significance (2); Benign (5); Likely benign (3). Last evaluated 2026-01-21.

Conditions:
SCN4A-related disorder. Also called: SCN4A-related disorders.
Congenital myasthenic syndrome 16. Identifiers: Orphanet 590, MedGen C3280112, MONDO:0013620, OMIM 614198.
Paramyotonia congenita of Von Eulenburg. Also called: Paramyotonia Congenita; PARALYSIS PERIODICA PARAMYOTONICA; Eulenburg disease; Myotonia congenita intermittens; Von Eulenburg paramyotonia congenita. Identifiers: Orphanet 684, MedGen C0221055, MONDO:0008195, OMIM 168300. Disease mechanism: loss of function.
Hypokalemic periodic paralysis, type 2 (HOKPP2). Identifiers: Orphanet 681, MedGen C2750061, MONDO:0013234, OMIM 613345.
Potassium-aggravated myotonia. Also called: Myotonia congenita, atypical, acetazolamide-responsive; MYOTONIA CONGENITA, ACETAZOLAMIDE-RESPONSIVE; MYOTONIA CONGENITA, ATYPICAL; SODIUM CHANNEL MUSCLE DISEASE. Identifiers: Orphanet 612, Orphanet 99734, Orphanet 99735, Orphanet 99736, MedGen C2931826, MONDO:0018959, OMIM 608390.
Hyperkalemic periodic paralysis. Also called: Familial hyperkalemic periodic paralysis; Gamstorp disease. Identifiers: Orphanet 682, MedGen C0238357, MONDO:0008224, OMIM 170500, HP:0007215.

Allele frequency attached by ClinVar (database versions not stated): gnomAD 0.00004 and 0.00014; gnomAD exomes 0.00030 and 0.00062; ExAC 0.00068; 1000 Genomes Project 30x 0.00078; TOPMed 0.00010; 1000 Genomes Project 0.00080.
gnomAD v4.1: 473 of 1,614,068 alleles (0.029%); highest among the groups gnomAD compares: Middle Eastern, 0.45%; 4 homozygotes.

Submissions (10):

Labcorp Genetics (formerly Invitae), Labcorp
Classification: Likely benign for Hyperkalemic periodic paralysis. Last evaluated: 2026-01-21. Review status: criteria provided, single submitter. Criteria: Invitae Variant Classification Sherloc (09022015). Collection method: clinical testing. Allele origin: germline.

PreventionGenetics, part of Exact Sciences
Classification: Likely benign for SCN4A-related condition. Last evaluated: 2025-07-22. Review status: criteria provided, single submitter. Criteria: ACMG Guidelines, 2015. Collection method: clinical testing. Allele origin: germline.
Comment: This variant is classified as likely benign based on ACMG/AMP sequence variant interpretation guidelines (Richards et al. 2015 PMID: 25741868, with internal and published modifications).

Mayo Clinic Laboratories, Mayo Clinic
Classification: Benign. Last evaluated: 2025-03-07. Review status: criteria provided, single submitter. Criteria: ACMG Guidelines, 2015. Collection method: clinical testing. Allele origin: germline. Observed: 2 variant alleles.
Comment: BS1, BS2

Blueprint Genetics
Classification: Uncertain significance. Last evaluated: 2024-11-17. Review status: criteria provided, single submitter. Criteria: ACMG Guidelines, 2015. Collection method: clinical testing. Allele origin: germline.

GeneDx
Classification: Likely benign. Last evaluated: 2019-05-21. Review status: criteria provided, single submitter. Criteria: GeneDx Variant Classification Process June 2021. Collection method: clinical testing. Allele origin: germline. Affected: yes.

Illumina Laboratory Services, Illumina
Classification: Benign for Paramyotonia congenita of Von Eulenburg. Last evaluated: 2018-01-13. Review status: criteria provided, single submitter. Criteria: ICSL Variant Classification Criteria 13 December 2019. Collection method: clinical testing. Allele origin: germline.
Comment: This variant was observed in the ICSL laboratory as part of a predisposition screen in an ostensibly healthy population. It had not been previously curated by ICSL or reported in the Human Gene Mutation Database (HGMD: prior to June 1st, 2018), and was therefore a candidate for classification through an automated scoring system. Utilizing variant allele frequency, disease prevalence and penetrance estimates, and inheritance mode, an automated score was calculated to assess if this variant is too frequent to cause the disease. Based on the score and internal cut-off values, a variant classified as benign is not then subjected to further curation. The score for this variant resulted in a classification of benign for this disease.

Illumina Laboratory Services, Illumina
Classification: Uncertain significance for Congenital myasthenic syndrome 16. Last evaluated: 2018-01-13. Review status: criteria provided, single submitter. Criteria: ICSL Variant Classification Criteria 13 December 2019. Collection method: clinical testing. Allele origin: germline.

Illumina Laboratory Services, Illumina
Classification: Benign for Hyperkalemic periodic paralysis. Last evaluated: 2018-01-13. Review status: criteria provided, single submitter. Criteria: ICSL Variant Classification Criteria 13 December 2019. Collection method: clinical testing. Allele origin: germline.
Comment: the same text as in the submission from Illumina Laboratory Services, Illumina above.

Illumina Laboratory Services, Illumina
Classification: Benign for Hypokalemic periodic paralysis, type 2. Last evaluated: 2018-01-13. Review status: criteria provided, single submitter. Criteria: ICSL Variant Classification Criteria 13 December 2019. Collection method: clinical testing. Allele origin: germline.
Comment: the same text as in the submission from Illumina Laboratory Services, Illumina above.

Illumina Laboratory Services, Illumina
Classification: Benign for Potassium-aggravated myotonia. Last evaluated: 2018-01-13. Review status: criteria provided, single submitter. Criteria: ICSL Variant Classification Criteria 13 December 2019. Collection method: clinical testing. Allele origin: germline.
Comment: the same text as in the submission from Illumina Laboratory Services, Illumina above.